The following is an entry in ClinVar:

NM_001042492.3(NF1):c.4652A>G (p.His1551Arg)

Gene: NF1 (neurofibromin 1; plus strand). Cytogenetic location: 17q11.2.
Variant type: single nucleotide variant.
Coding change: c.4652A>G on transcript NM_001042492.3 (MANE Select); coding-DNA position 4652, A replaced by G.
Protein change: p.His1551Arg; replaces histidine 1551 with arginine.
Molecular consequence: missense variant.
Genome position (GRCh38, 1-based): chr17:31,261,785, A>G. VCF-style: chr17-31261785-A-G. GRCh37 (hg19) VCF-style: chr17-29588803-A-G.
Other names: c.4589A>G, p.His1530Arg (NM_000267.4); short protein forms H1530R, H1551R.
Identifiers: ClinVar variation 3722676 (VCV003722676.2).

ClinVar aggregate classification (germline): Uncertain significance (1 of 4 stars; one submission).

Conditions:
Neurofibromatosis, type 1 (NF1). Also called: VON RECKLINGHAUSEN DISEASE; NEUROFIBROMATOSIS, TYPE I, SOMATIC; Peripheral type neurofibromatosis; Neurofibromatosis, type I. Identifiers: Orphanet 636, MedGen C0027831, MONDO:0018975, OMIM 162200. Disease mechanism: loss of function.

gnomAD v4.1: 1 of 1,612,566 alleles (0.000062%); highest among the groups gnomAD compares: African/African-American, 0.0013%; no homozygotes.

Submission:

Labcorp Genetics (formerly Invitae), Labcorp
Classification: Uncertain significance for Neurofibromatosis, type 1. Last evaluated: 2025-07-07. Review status: criteria provided, single submitter. Criteria: Invitae Variant Classification Sherloc (09022015). Collection method: clinical testing. Allele origin: germline.
Comment: This sequence change replaces histidine, which is basic and polar, with arginine, which is basic and polar, at codon 1530 of the NF1 protein (p.His1530Arg). This variant is present in population databases (rs762672422, gnomAD 0.0009%). This variant has not been reported in the literature in individuals affected with NF1-related conditions. ClinVar contains an entry for this variant (Variation ID: 3722676). Invitae Evidence Modeling of protein sequence and biophysical properties (such as structural, functional, and spatial information, amino acid conservation, physicochemical variation, residue mobility, and thermodynamic stability) has been performed for this missense variant. However, the output from this modeling did not meet the statistical confidence thresholds required to predict the impact of this variant on NF1 protein function. In summary, the available evidence is currently insufficient to determine the role of this variant in disease. Therefore, it has been classified as a Variant of Uncertain Significance.